The following is an entry in ClinVar:

ClinVar aggregate classification (germline): Uncertain significance (0 of 4 stars; one submission).

Conditions:
CRP-related disorder. Also called: CRP-related condition.

Allele frequency attached by ClinVar (database versions not stated): gnomAD exomes below 0.00001; TOPMed below 0.00001.

Submission:

PreventionGenetics, part of Exact Sciences
Classification: Uncertain significance for CRP-related condition. Last evaluated: 2023-11-22. Review status: no assertion criteria provided. Collection method: clinical testing. Allele origin: germline.
Comment: The CRP c.521T>C variant is predicted to result in the amino acid substitution p.Ile174Thr. To our knowledge, this variant has not been reported in the literature or in a large population database, indicating this variant is rare. At this time, the clinical significance of this variant is uncertain due to the absence of conclusive functional and genetic evidence.

NM_000567.3(CRP):c.521T>C (p.Ile174Thr)

Gene: CRP (C-reactive protein; minus strand). Cytogenetic location: 1q23.2.
Variant type: single nucleotide variant.
Coding change: c.521T>C on transcript NM_000567.3 (MANE Select); coding-DNA position 521, T replaced by C.
Protein change: p.Ile174Thr; replaces isoleucine 174 with threonine.
Molecular consequence: missense variant. On other transcripts: intron variant (2).
Genome position (GRCh38, 1-based): chr1:159,713,679, A>G on the plus strand (T>C on the coding strand, the complement: CRP is on the minus strand). VCF-style: chr1-159713679-A-G. GRCh37 (hg19) VCF-style: chr1-159683469-A-G.
Other names: c.521T>C, p.Ile174Thr (NM_001329057.2); c.194-39T>C (NM_001382703.1); c.198-76T>C (NM_001329058.2); short protein forms I174T.
Identifiers: ClinVar variation 3043076 (VCV003043076.2), dbSNP rs1660738597, ClinGen allele CA343453814.